The following is an entry in ClinVar:

NM_005751.5(AKAP9):c.11347C>T (p.Arg3783Ter)

Gene: AKAP9 (A-kinase anchoring protein 9; plus strand). Cytogenetic location: 7q21.2.
Variant type: single nucleotide variant.
Coding change: c.11347C>T on transcript NM_005751.5 (MANE Select); coding-DNA position 11347, C replaced by T.
Protein change: p.Arg3783Ter; replaces arginine 3783 with a stop codon.
Molecular consequence: nonsense.
Genome position (GRCh38, 1-based): chr7:92,105,694, C>T. VCF-style: chr7-92105694-C-T. GRCh37 (hg19) VCF-style: chr7-91735008-C-T.
Other names: c.5992C>T, p.Arg1998Ter (NM_001379277.1); c.11323C>T, p.Arg3775Ter (NM_147185.3); short protein forms R1998*, R3775*, R3783*.
Identifiers: ClinVar variation 928692 (VCV000928692.4), dbSNP rs376277241, ClinGen allele CA4338173.

ClinVar aggregate classification (germline): Uncertain significance. Review status: criteria provided, multiple submitters, no conflicts (2 of 4 stars). 2 submissions from 2 submitters: Uncertain significance (2). Last evaluated 2023-04-17.

Conditions:
Long QT syndrome (LQTS). Identifiers: MedGen C0023976, MeSH D008133, MONDO:0002442. Disease mechanism: loss of function. Inheritance: Various modes of inheritance.

Allele frequency attached by ClinVar (database versions not stated): gnomAD exomes below 0.00001; ExAC 0.00001; gnomAD 0.00001; TOPMed 0.00001; ESP Exome Variant Server 0.00008.
gnomAD v4.1: 6 of 1,613,878 alleles (0.00037%); highest among the groups gnomAD compares: Middle Eastern, 0.016%; no homozygotes.

Submissions (2):

Labcorp Genetics (formerly Invitae), Labcorp
Classification: Uncertain significance for Long QT syndrome. Last evaluated: 2023-04-17. Review status: criteria provided, single submitter. Criteria: Invitae Variant Classification Sherloc (09022015). Collection method: clinical testing. Allele origin: germline.
Comment: ClinVar contains an entry for this variant (Variation ID: 928692). This variant has not been reported in the literature in individuals affected with AKAP9-related conditions. This variant is present in population databases (rs376277241, gnomAD 0.01%). This sequence change creates a premature translational stop signal (p.Arg3783*) in the AKAP9 gene. It is expected to result in an absent or disrupted protein product. However, the current clinical and genetic evidence is not sufficient to establish whether loss-of-function variants in AKAP9 cause disease. Algorithms developed to predict the effect of sequence changes on RNA splicing suggest that this variant may disrupt the consensus splice site. In summary, the available evidence is currently insufficient to determine the role of this variant in disease. Therefore, it has been classified as a Variant of Uncertain Significance.

Women's Health and Genetics/Laboratory Corporation of America, LabCorp
Classification: Uncertain significance. Last evaluated: 2019-10-22. Review status: criteria provided, single submitter. Criteria: LabCorp Variant Classification Summary - May 2015. Collection method: clinical testing. Allele origin: germline.
Comment: Variant summary: AKAP9 c.11347C>T (p.Arg3783X) results in a premature termination codon, predicted to cause a truncation of the encoded protein or absence of the protein due to nonsense mediated decay, which are commonly known mechanisms for disease. The variant was absent in 251472 control chromosomes (gnomAD). To our knowledge, no occurrence of c.11347C>T in individuals affected with Arrhythmia and no experimental evidence demonstrating its impact on protein function have been reported. No clinical diagnostic laboratories have submitted clinical-significance assessments for this variant to ClinVar after 2014. Based on the evidence outlined above, the variant was classified as VUS-possibly pathogenic until additional evidence becomes available.